The following is an entry in ClinVar:

NM_006922.4(SCN3A):c.4105A>G (p.Thr1369Ala)

Gene: SCN3A (sodium voltage-gated channel alpha subunit 3; minus strand). Cytogenetic location: 2q24.3.
Variant type: single nucleotide variant.
Coding change: c.4105A>G on transcript NM_006922.4 (MANE Select); coding-DNA position 4105, A replaced by G.
Protein change: p.Thr1369Ala; replaces threonine 1369 with alanine.
Molecular consequence: missense variant.
Genome position (GRCh38, 1-based): chr2:165,097,386, T>C on the plus strand (A>G on the coding strand, the complement: SCN3A is on the minus strand). VCF-style: chr2-165097386-T-C. GRCh37 (hg19) VCF-style: chr2-165953896-T-C.
Other names: c.3958A>G, p.Thr1320Ala (NM_001081676.2, NM_001081677.2); short protein forms T1369A, T1320A.
Identifiers: ClinVar variation 4055921 (VCV004055921.1).

ClinVar aggregate classification (germline): Uncertain significance (1 of 4 stars; one submission).

Submission:

GeneDx
Classification: Uncertain significance. Last evaluated: 2025-01-03. Review status: criteria provided, single submitter. Criteria: GeneDx Variant Classification Process June 2021. Collection method: clinical testing. Allele origin: germline. Affected: yes.
Comment: Not observed at significant frequency in large population cohorts (gnomAD); In silico analysis indicates that this missense variant does not alter protein structure/function; Has not been previously published as pathogenic or benign to our knowledge